The following is an entry in ClinVar:

ClinVar aggregate classification (germline): Pathogenic (1 of 4 stars; one submission).

Conditions:
Marfan syndrome (MFS). Also called: MARFAN SYNDROME, TYPE I; Marfan syndrome type 1; Marfan's syndrome; Marfan syndrome, classic; FBN1-Related Marfan Syndrome. Identifiers: Orphanet 284963, Orphanet 558, MedGen C0024796, MONDO:0007947, OMIM 154700.
Familial thoracic aortic aneurysm and aortic dissection (TAAD). Also called: Thoracic aortic aneurysms and dissections. Identifiers: Orphanet 91387, MedGen C4707243, MONDO:0019625.

Submission:

Labcorp Genetics (formerly Invitae), Labcorp
Classification: Pathogenic for Marfan syndrome; Familial thoracic aortic aneurysm and aortic dissection. Last evaluated: 2023-11-19. Review status: criteria provided, single submitter. Criteria: Invitae Variant Classification Sherloc (09022015). Collection method: clinical testing. Allele origin: germline.
Comment: This sequence change creates a premature translational stop signal (p.Tyr1664Glyfs*33) in the FBN1 gene. It is expected to result in an absent or disrupted protein product. Loss-of-function variants in FBN1 are known to be pathogenic (PMID: 17657824, 19293843). This variant is not present in population databases (gnomAD no frequency). This variant has not been reported in the literature in individuals affected with FBN1-related conditions. For these reasons, this variant has been classified as Pathogenic.

Literature cited by the submitters: PubMed 17657824; PubMed 19293843.

NM_000138.5(FBN1):c.4989_4990insGGTCCAGGGTCCTGGAATCTGTGGTCCAGGT (p.Tyr1664fs)

Gene: FBN1 (fibrillin 1; minus strand). Cytogenetic location: 15q21.1.
Variant type: Insertion.
Coding change: c.4989_4990insGGTCCAGGGTCCTGGAATCTGTGGTCCAGGT on transcript NM_000138.5 (MANE Select); coding-DNA positions 4989 to 4990, GGTCCAGGGTCCTGGAATCTGTGGTCCAGGT inserted.
Protein change: p.Tyr1664fs; shifts the reading frame from tyrosine 1664.
Molecular consequence: frameshift variant.
Genome position: GRCh38: chr15:48,463,976-48,463,977. GRCh37 (hg19): chr15:48,756,173-48,756,174.
Other names: c.4989_4990insGGTCCAGGGTCCTGGAATCTGTGGTCCAGGT, p.Tyr1664fs (NM_001406716.1); short protein forms Y1664fs.
Identifiers: ClinVar variation 2954050 (VCV002954050.3), dbSNP rs2505493415, ClinGen allele CA2740096582.
Genomic context (GRCh38, chr15:48,463,974, plus strand): 5'-CCCCATTCACTTGCATGTAGTCTGGAGGACAGATACAGGTGTAGTTGCCAACGGTGTTGT[A>AACCTGGACCACAGATTCCAGGACCCTGGACC]ACATGTCCCTGGACCACAGATTCCAGGAGTCTCACATTCATTCACATCTATAATCCAAAG-3'